The following is an entry in ClinVar:

ClinVar aggregate classification (germline): Uncertain significance. Review status: criteria provided, multiple submitters, no conflicts (2 of 4 stars). 3 submissions from 3 submitters: Uncertain significance (3). Last evaluated 2024-02-14.

Conditions:
Alagille syndrome due to a JAG1 point mutation. Also called: Alagille Syndrome 1; HEPATIC DUCTULAR HYPOPLASIA, SYNDROMATIC; JAG1-Related Alagille Syndrome. Identifiers: Orphanet 261619, Orphanet 52, MedGen C1956125, MONDO:0016862, OMIM 118450.
Deafness, congenital heart defects, and posterior embryotoxon (DCHE). Identifiers: MedGen C1866053, MONDO:0060713, OMIM 617992.
Tetralogy of Fallot (TOF). Identifiers: Orphanet 3303, MedGen C0039685, MONDO:0008542, OMIM 187500, HP:0001636.
Charcot-Marie-Tooth disease, axonal, Type 2HH. Also called: CHARCOT-MARIE-TOOTH NEUROPATHY, TYPE 2HH. Identifiers: MedGen C5562003, MONDO:0030458, OMIM 619574.
Cardiovascular phenotype. Identifiers: MedGen CN230736.

Allele frequency attached by ClinVar (database versions not stated): TOPMed below 0.00001; gnomAD 0.00001.
gnomAD v4.1: 1 of 1,614,026 alleles (0.000062%); highest among the groups gnomAD compares: Non-Finnish European, 0.000085%; no homozygotes.

Submissions (3):

Fulgent Genetics
Classification: Uncertain significance for Alagille syndrome due to a JAG1 point mutation; Tetralogy of Fallot; Deafness, congenital heart defects, and posterior embryotoxon; Charcot-Marie-Tooth disease, axonal, Type 2HH. Last evaluated: 2024-02-14. Review status: criteria provided, single submitter. Criteria: ACMG Guidelines, 2015. Collection method: clinical testing. Allele origin: germline.

Ambry Genetics
Classification: Uncertain significance for Cardiovascular phenotype. Last evaluated: 2023-06-05. Review status: criteria provided, single submitter. Criteria: Ambry Variant Classification Scheme 2023. Collection method: clinical testing. Allele origin: germline.
Comment: The p.E353Q variant (also known as c.1057G>C), located in coding exon 8 of the JAG1 gene, results from a G to C substitution at nucleotide position 1057. The glutamic acid at codon 353 is replaced by glutamine, an amino acid with highly similar properties. This amino acid position is conserved. In addition, this alteration is predicted to be deleterious by in silico analysis. Since supporting evidence is limited at this time, the clinical significance of this alteration remains unclear.

Labcorp Genetics (formerly Invitae), Labcorp
Classification: Uncertain significance for Alagille syndrome due to a JAG1 point mutation. Last evaluated: 2021-10-16. Review status: criteria provided, single submitter. Criteria: Invitae Variant Classification Sherloc (09022015). Collection method: clinical testing. Allele origin: germline.
Comment: This sequence change replaces glutamic acid, which is acidic and polar, with glutamine, which is neutral and polar, at codon 353 of the JAG1 protein (p.Glu353Gln). In summary, the available evidence is currently insufficient to determine the role of this variant in disease. Therefore, it has been classified as a Variant of Uncertain Significance. Advanced modeling of protein sequence and biophysical properties (such as structural, functional, and spatial information, amino acid conservation, physicochemical variation, residue mobility, and thermodynamic stability) performed at Invitae indicates that this missense variant is not expected to disrupt JAG1 protein function. This variant has not been reported in the literature in individuals affected with JAG1-related conditions. This variant is not present in population databases (gnomAD no frequency).

NM_000214.3(JAG1):c.1057G>C (p.Glu353Gln)

Gene: JAG1 (jagged canonical Notch ligand 1; minus strand). Cytogenetic location: 20p12.2.
Variant type: single nucleotide variant.
Coding change: c.1057G>C on transcript NM_000214.3 (MANE Select); coding-DNA position 1057, G replaced by C.
Protein change: p.Glu353Gln; replaces glutamic acid 353 with glutamine.
Molecular consequence: missense variant.
Genome position (GRCh38, 1-based): chr20:10,651,644, C>G on the plus strand (G>C on the coding strand, the complement: JAG1 is on the minus strand). VCF-style: chr20-10651644-C-G. GRCh37 (hg19) VCF-style: chr20-10632292-C-G.
Other names: c.1057G>C (NM_000214.2); short protein forms E353Q.
Identifiers: ClinVar variation 1473831 (VCV001473831.8), dbSNP rs1600185499, ClinGen allele CA408238771.
Genomic context (GRCh38, chr20:10,651,644, plus strand): 5'-TAGAGCATGTGGGGCCGGTCCAGCCTGGGGAACACTCACACTCAAAGCCCAGGGAGGTCT[C>G]CTTACAGCTGCCTCTGTTGTGACAGGGATCAGAGAGGCAGGCGTGCTCAGCTGCAAAAAC-3'
Protein context (NP_000205.1, residues 343-363): DPCHNRGSCK[Glu353Gln]TSLGFECECS